The following is an entry in ClinVar:

ClinVar aggregate classification (germline): Benign/Likely benign. Review status: criteria provided, multiple submitters, no conflicts (2 of 4 stars). 2 submissions from 2 submitters: Benign (1); Likely benign (1). Last evaluated 2024-10-14.

Conditions:
Methylmalonic acidemia with homocystinuria, type cblX (MAHCX). Also called: INTELLECTUAL DEVELOPMENTAL DISORDER, X-LINKED 3. Identifiers: Orphanet 369962, MedGen C0796208, MONDO:0010657, OMIM 309541.

Allele frequency attached by ClinVar (database versions not stated): TOPMed 0.00002; gnomAD 0.00004; ESP Exome Variant Server 0.00010.
gnomAD v4.1: 23 of 1,153,352 alleles (0.002%); highest among the groups gnomAD compares: Non-Finnish European, 0.0025%; no homozygotes.

Submissions (2):

Labcorp Genetics (formerly Invitae), Labcorp
Classification: Benign for Methylmalonic acidemia with homocystinuria, type cblX. Last evaluated: 2024-10-14. Review status: criteria provided, single submitter. Criteria: Invitae Variant Classification Sherloc (09022015). Collection method: clinical testing. Allele origin: germline.

GeneDx
Classification: Likely benign. Last evaluated: 2016-05-20. Review status: criteria provided, single submitter. Criteria: GeneDx Variant Classification (06012015). Collection method: clinical testing. Allele origin: germline. Affected: yes.
Comment: This variant is considered likely benign or benign based on one or more of the following criteria: it is a conservative change, it occurs at a poorly conserved position in the protein, it is predicted to be benign by multiple in silico algorithms, and/or has population frequency not consistent with disease.

NM_005334.3(HCFC1):c.6004+14G>A

Gene: HCFC1 (host cell factor C1; minus strand). Cytogenetic location: Xq28.
Variant type: single nucleotide variant.
Coding change: c.6004+14G>A on transcript NM_005334.3 (MANE Select); 14 bases into the intron after coding-DNA position 6004, G replaced by A.
Molecular consequence: intron variant.
Genome position (GRCh38, 1-based): chrX:153,950,229, C>T on the plus strand (G>A on the coding strand, the complement: HCFC1 is on the minus strand). VCF-style: chrX-153950229-C-T. GRCh37 (hg19) VCF-style: chrX-153215680-C-T.
Identifiers: ClinVar variation 386062 (VCV000386062.6), dbSNP rs371228352, ClinGen allele CA10556705.
Genomic context (GRCh38, chrX:153,950,229, plus strand): 5'-GTGACAGTTCCTCCTGCTGCACCCGGCTTCCTGGGCCTTCCCTGTGCCTGAAGAGCTCCA[C>T]GAAGGACACTCACCCTGCAGCCACCTCACTTGTGTGGCCGGGCCATAGCCCTTCTCATTG-3'